The following is an entry in ClinVar:

NM_001010892.3(RSPH4A):c.1976C>T (p.Pro659Leu)

Gene: RSPH4A (radial spoke head component 4A; plus strand). Cytogenetic location: 6q22.1.
Variant type: single nucleotide variant.
Coding change: c.1976C>T on transcript NM_001010892.3 (MANE Select); coding-DNA position 1976, C replaced by T.
Protein change: p.Pro659Leu; replaces proline 659 with leucine.
Molecular consequence: missense variant. On other transcripts: 3 prime UTR variant (1).
Genome position (GRCh38, 1-based): chr6:116,632,266, C>T. VCF-style: chr6-116632266-C-T. GRCh37 (hg19) VCF-style: chr6-116953429-C-T.
Other names: c.*37C>T (NM_001161664.2); short protein forms P659L.
Identifiers: ClinVar variation 1783712 (VCV001783712.2), dbSNP rs372634959, ClinGen allele CA365412813.

ClinVar aggregate classification (germline): Uncertain significance (1 of 4 stars; one submission).

Conditions:
Primary ciliary dyskinesia. Also called: Ciliary dyskinesia. Identifiers: Orphanet 244, MedGen C0008780, MONDO:0016575, HP:0012265.

Submission:

Ambry Genetics
Classification: Uncertain significance for Primary ciliary dyskinesia. Last evaluated: 2021-12-16. Review status: criteria provided, single submitter. Criteria: Ambry Variant Classification Scheme 2023. Collection method: clinical testing. Allele origin: germline.
Comment: The p.P659L variant (also known as c.1976C>T), located in coding exon 6 of the RSPH4A gene, results from a C to T substitution at nucleotide position 1976. The proline at codon 659 is replaced by leucine, an amino acid with similar properties. This amino acid position is conserved. In addition, this alteration is predicted to be deleterious by in silico analysis. Since supporting evidence is limited at this time, the clinical significance of this alteration remains unclear.